The following is an entry in ClinVar:

NM_001036.6(RYR3):c.10014C>T (p.Ala3338=)

Gene: RYR3 (ryanodine receptor 3; plus strand). Cytogenetic location: 15q14.
Variant type: single nucleotide variant.
Coding change: c.10014C>T on transcript NM_001036.6 (MANE Select); coding-DNA position 10014, C replaced by T.
Protein change: p.Ala3338=; no amino-acid change (alanine 3338 retained).
Molecular consequence: synonymous variant. On other transcripts: intron variant (1).
Genome position (GRCh38, 1-based): chr15:33,807,557, C>T. VCF-style: chr15-33807557-C-T. GRCh37 (hg19) VCF-style: chr15-34099758-C-T.
Other names: c.10012-2922C>T (NM_001243996.4).
Identifiers: ClinVar variation 3250805 (VCV003250805.18), dbSNP rs1291026654.

ClinVar aggregate classification (germline): Uncertain significance (1 of 4 stars; one submission).

Allele frequency attached by ClinVar (database versions not stated): gnomAD 0.00001; gnomAD exomes 0.00001; TOPMed 0.00001.
gnomAD v4.1: 9 of 1,551,802 alleles (0.00058%); highest among the groups gnomAD compares: Non-Finnish European, 0.00078%; no homozygotes.

Submission:

CeGaT Center for Human Genetics Tuebingen
Classification: Uncertain significance. Last evaluated: 2024-06-01. Review status: criteria provided, single submitter. Criteria: CeGaT Center For Human Genetics Tuebingen Variant Classification Criteria Version 2. Collection method: clinical testing. Allele origin: germline. Affected: yes. Observed: 1 variant allele.
Comment: RYR3: PM2, BP4